The following is an entry in ClinVar:

ClinVar aggregate classification (germline): Conflicting classifications of pathogenicity. Review status: criteria provided, conflicting classifications (1 of 4 stars). 5 submissions from 5 submitters: Uncertain significance (4); Likely benign (1). Last evaluated 2025-12-03.

Conditions:
Ullrich congenital muscular dystrophy 2 (UCMD2). Identifiers: Orphanet 75840, MedGen C4225314, MONDO:0014654, OMIM 616470.
Bethlem myopathy 2 (BTHLM2). Identifiers: Orphanet 536516, Orphanet 610, MedGen C4225313, MONDO:0034022, OMIM 616471.

Allele frequency attached by ClinVar (database versions not stated): TOPMed 0.00003; ExAC 0.00004; gnomAD 0.00004; gnomAD exomes 0.00005 and 0.00006; 1000 Genomes Project 30x 0.00016.

Submissions (5):

Labcorp Genetics (formerly Invitae), Labcorp
Classification: Likely benign for Bethlem myopathy 2; Ullrich congenital muscular dystrophy 2. Last evaluated: 2025-12-03. Review status: criteria provided, single submitter. Criteria: Invitae Variant Classification Sherloc (09022015). Collection method: clinical testing. Allele origin: germline.

Women's Health and Genetics/Laboratory Corporation of America, LabCorp
Classification: Uncertain significance. Last evaluated: 2025-09-12. Review status: criteria provided, single submitter. Criteria: LabCorp Variant Classification Summary - May 2015. Collection method: clinical testing. Allele origin: germline.
Comment: Variant summary: COL12A1 c.5410C>T (p.Arg1804Trp) results in a non-conservative amino acid change in the encoded protein sequence. Algorithms developed to predict the effect of missense changes on protein structure and function are either unavailable or do not agree on the potential impact of this missense change. The variant allele was found at a frequency of 6.4e-05 in 249298 control chromosomes. This frequency is not significantly higher than estimated for disease-causing variants in COL12A1, allowing no conclusion about variant significance. To our knowledge, no occurrence of c.5410C>T in individuals affected with COL12A1-related conditions and no experimental evidence demonstrating its impact on protein function have been reported. ClinVar contains an entry for this variant (Variation ID: 475876). Based on the evidence outlined above, the variant was classified as uncertain significance.

GeneDx
Classification: Uncertain significance. Last evaluated: 2021-11-24. Review status: criteria provided, single submitter. Criteria: GeneDx Variant Classification Process June 2021. Collection method: clinical testing. Allele origin: germline. Affected: yes.
Comment: Has not been previously published as pathogenic or benign to our knowledge; In silico analysis supports that this missense variant does not alter protein structure/function; Reported in ClinVar as a variant of uncertain significance (ClinVar Variant ID# 475876; Landrum et al., 2016); This variant is associated with the following publications: (PMID: 26582918)

Revvity Omics, Revvity
Classification: Uncertain significance. Last evaluated: 2019-05-03. Review status: criteria provided, single submitter. Criteria: ACMG Guidelines, 2015. Collection method: clinical testing. Allele origin: germline.

Fulgent Genetics
Classification: Uncertain significance for Ullrich congenital muscular dystrophy 2; Bethlem myopathy 2. Last evaluated: 2018-10-31. Review status: criteria provided, single submitter. Criteria: ACMG Guidelines, 2015. Collection method: clinical testing. Allele origin: unknown.

NM_004370.6(COL12A1):c.5410C>T (p.Arg1804Trp)

Gene: COL12A1 (collagen type XII alpha 1 chain; minus strand). Cytogenetic location: 6q13.
Variant type: single nucleotide variant.
Coding change: c.5410C>T on transcript NM_004370.6 (MANE Select); coding-DNA position 5410, C replaced by T.
Protein change: p.Arg1804Trp; replaces arginine 1804 with tryptophan.
Molecular consequence: missense variant.
Genome position (GRCh38, 1-based): chr6:75,134,840, G>A on the plus strand (C>T on the coding strand, the complement: COL12A1 is on the minus strand). VCF-style: chr6-75134840-G-A. GRCh37 (hg19) VCF-style: chr6-75844556-G-A.
Other names: c.1918C>T, p.Arg640Trp (NM_080645.3); short protein forms R1804W, R640W.
Identifiers: ClinVar variation 475876 (VCV000475876.18), dbSNP rs201973949, ClinGen allele CA3893134.